The following is an entry in ClinVar:

ClinVar aggregate classification (germline): Uncertain significance (1 of 4 stars; one submission).

Conditions:
Symmetrical dyschromatosis of extremities (DSH). Also called: DYSCHROMATOSIS SYMMETRICA HEREDITARIA 1; RETICULATE ACROPIGMENTATION OF DOHI; SYMMETRIC DYSCHROMATOSIS OF THE EXTREMITIES; Dyschromatosis symmetrica hereditaria. Identifiers: Orphanet 41, MedGen C0406775, MONDO:0007483, OMIM 127400.
Aicardi-Goutieres syndrome 6 (AGS6). Identifiers: Orphanet 51, MedGen C3539013, MONDO:0014007, OMIM 615010.

Submission:

Labcorp Genetics (formerly Invitae), Labcorp
Classification: Uncertain significance for Aicardi-Goutieres syndrome 6; Symmetrical dyschromatosis of extremities. Last evaluated: 2022-10-17. Review status: criteria provided, single submitter. Criteria: Invitae Variant Classification Sherloc (09022015). Collection method: clinical testing. Allele origin: germline.
Comment: This variant is not present in population databases (gnomAD no frequency). In summary, the available evidence is currently insufficient to determine the role of this variant in disease. Therefore, it has been classified as a Variant of Uncertain Significance. Algorithms developed to predict the effect of missense changes on protein structure and function (SIFT, PolyPhen-2, Align-GVGD) all suggest that this variant is likely to be tolerated. ClinVar contains an entry for this variant (Variation ID: 1508643). This variant has not been reported in the literature in individuals affected with ADAR-related conditions. This sequence change replaces serine, which is neutral and polar, with threonine, which is neutral and polar, at codon 178 of the ADAR protein (p.Ser178Thr).

NM_001111.5(ADAR):c.532T>A (p.Ser178Thr)

Gene: ADAR (adenosine deaminase RNA specific; minus strand). Cytogenetic location: 1q21.3.
Variant type: single nucleotide variant.
Coding change: c.532T>A on transcript NM_001111.5 (MANE Select); coding-DNA position 532, T replaced by A.
Protein change: p.Ser178Thr; replaces serine 178 with threonine.
Molecular consequence: missense variant. On other transcripts: 5 prime UTR variant (6).
Genome position (GRCh38, 1-based): chr1:154,602,110, A>T on the plus strand (T>A on the coding strand, the complement: ADAR is on the minus strand). VCF-style: chr1-154602110-A-T. GRCh37 (hg19) VCF-style: chr1-154574586-A-T.
Other names: c.-354T>A (NM_001025107.3, NM_001193495.2, NM_001365046.1 and 3 more transcripts); c.559T>A, p.Ser187Thr (NM_001365045.1); c.532T>A, p.Ser178Thr (NM_015840.4, NM_015841.4); short protein forms S178T, S187T.
Identifiers: ClinVar variation 1508643 (VCV001508643.8), dbSNP rs1235906378, ClinGen allele CA342601534.